The following is an entry in ClinVar:

NM_001875.5(CPS1):c.4404+1G>A

Gene: CPS1 (carbamoyl-phosphate synthase 1; plus strand). Cytogenetic location: 2q34.
Variant type: single nucleotide variant.
Coding change: c.4404+1G>A on transcript NM_001875.5 (MANE Select); the canonical splice donor site of the intron after coding-DNA position 4404, G replaced by A.
Molecular consequence: splice donor variant.
Genome position (GRCh38, 1-based): chr2:210,677,137, G>A. VCF-style: chr2-210677137-G-A. GRCh37 (hg19) VCF-style: chr2-211541861-G-A.
Other names: c.4404+1G>A (NM_001369257.1, NM_001122633.3, NM_001875.4); c.4437+1G>A (NM_001369256.1).
Identifiers: ClinVar variation 3241192 (VCV003241192.3), dbSNP rs1278381406.
Genomic context (GRCh38, chr2:210,677,137, plus strand): 5'-AATTATGTGATTCGGAGGACAGCTGTTGATAGTGGAATCCCTCTCCTCACTAATTTTCAG[G>A]TATAGTCTTTTCCTTGGATATAGACTGGATGGGAGTTTTATTTCTGTGCCTCCCTTAAGA-3'

ClinVar aggregate classification (germline): Pathogenic/Likely pathogenic. Review status: criteria provided, multiple submitters, no conflicts (2 of 4 stars). 2 submissions from 2 submitters: Pathogenic (1); Likely pathogenic (1). Last evaluated 2025-02-26.

Conditions:
Congenital hyperammonemia, type I. Also called: CPS I DEFICIENCY; Carbamoyl phosphate synthetase 1 deficiency; Hyperammonemia due to carbamoyl phosphate synthetase 1 deficiency; CPS 1 deficiency; Carbamyl phosphate synthetase (CPS) deficiency; Carbamoyl phosphate synthetase I deficiency disease. Identifiers: Orphanet 147, MedGen C4082171, MONDO:0009376, OMIM 237300.
Pulmonary hypertension, neonatal, susceptibility to (PHN). Identifiers: MedGen C3714958, MONDO:0014151, OMIM 615371.

gnomAD v4.1: 4 of 1,613,762 alleles (0.00025%); highest among the groups gnomAD compares: Non-Finnish European, 0.00034%; no homozygotes.

Submissions (2):

Natera, Inc.
Classification: Likely pathogenic for Carbamoyl-phosphate synthase I deficiency. Last evaluated: 2025-02-26. Review status: criteria provided, single submitter. Criteria: Natera Variant Classification Schema (03/2026). Collection method: clinical testing. Allele origin: germline.
Comment: The c.4404+1G>A variant in CPS1 is a canonical splice donor site variant predicted to affect pre-mRNA splicing, which may result in an abnormal transcript and altered protein product. This variant is expected to result in nonsense mediated decay, truncation, or a dysfunctional protein product. This variant is rare in the general population with a frequency below the threshold expected for the associated phenotype(s). Given the available evidence, this variant is classified as Likely Pathogenic.

Baylor Genetics
Classification: Pathogenic for Pulmonary hypertension, neonatal, susceptibility to. Last evaluated: 2024-03-03. Review status: criteria provided, single submitter. Criteria: ACMG Guidelines, 2015. Collection method: clinical testing. Allele origin: unknown.